The following is an entry in ClinVar:

ClinVar aggregate classification (germline): Pathogenic. Review status: reviewed by expert panel (3 of 4 stars). 2 submissions from 2 submitters: Pathogenic (1). 1 of the submissions does not count toward it. Last evaluated 2023-08-04.

Conditions:
CDH1-related diffuse gastric and lobular breast cancer syndrome. Also called: CDH1-related diffuse gastric and lobular breast cancer. Identifiers: MedGen CN311521, MONDO:0100488.
Hereditary diffuse gastric adenocarcinoma (HDGC). Also called: DIFFUSE GASTRIC AND LOBULAR BREAST CANCER SYNDROME. Identifiers: Orphanet 26106, MedGen C1708349, MONDO:0007648, OMIM 137215.

Submissions (2):

Clingen Gastric Cancer Variant Curation Expert Panel
Classification: Pathogenic for CDH1-related diffuse gastric and lobular breast cancer syndrome. Last evaluated: 2023-08-04. Review status: reviewed by expert panel. Criteria: ClinGen CDH1 ACMG Specifications V3.1. Collection method: curation. Allele origin: germline. Inheritance: Autosomal dominant inheritance.
Comment: The c.1948_1949dup p.(Ile651fs) variant is predicted to result in a premature stop codon that leads to nonsense mediate decay (PVS1 and PM5_supporting). The variant is absent in the gnomAD cohort (PM2_supporting). Therefore, this variant meets criteria to be classified as pathogenic based on the ACMG/AMP criteria applied as specified by the CDH1 Variant Curation Expert Panel (CDH1 VCEP specifications version 3.1): PVS1, PM2_supporting, PM5_supporting.

Labcorp Genetics (formerly Invitae), Labcorp
Classification: Pathogenic for Hereditary diffuse gastric adenocarcinoma. Last evaluated: 2017-04-06. Review status: criteria provided, single submitter. Criteria: Invitae Variant Classification Sherloc (09022015). Collection method: clinical testing. Allele origin: germline. Not counted in ClinVar's aggregate classification.
Comment: While this particular variant has not been reported in the literature, loss-of-function variants in CDH1 are known to be pathogenic (PMID: 15235021, 20373070). This sequence change inserts 2 nucleotide in exon 13 of the CDH1 mRNA (c.1948_1949dupAT), causing a frameshift at codon 651. This creates a premature translational stop signal (p.Ile651Serfs*3) and is expected to result in an absent or disrupted protein product. For these reasons, this variant has been classified as Pathogenic.

Literature cited by the submitters: PubMed 15235021 (cited by Labcorp Genetics (formerly Invitae), Labcorp); PubMed 20373070 (cited by Labcorp Genetics (formerly Invitae), Labcorp).

NM_004360.5(CDH1):c.1948_1949dup (p.Ile651fs)

Gene: CDH1 (cadherin 1; plus strand). Cytogenetic location: 16q22.1.
Variant type: Duplication.
Coding change: c.1948_1949dup on transcript NM_004360.5 (MANE Select); coding-DNA positions 1948 to 1949, 2 bases duplicated (AT; older notation c.1948_1949dupAT).
Protein change: p.Ile651fs; shifts the reading frame from isoleucine 651.
Molecular consequence: frameshift variant. On other transcripts: 5 prime UTR variant (1).
Genome position (GRCh38, 1-based): chr16:68,823,410-68,823,411, AT duplicated; duplicating any 2 consecutive bases within chr16:68,823,409-68,823,411 gives the same sequence; the c. name uses the placement nearest the transcript's 3' end. VCF-style (leftmost placement, unchanged base first): chr16-68823408-C-CTA. GRCh37 (hg19) VCF-style: chr16-68857311-C-CTA.
Other names: NM_004360.5(CDH1):c.1948_1949dup; p.Ile651fs; c.1948_1949dup (LRG_301t1); c.1765_1766dup, p.Ile590fs (NM_001317184.2); c.400_401dup, p.Ile135fs (NM_001317185.2); c.-18_-17dup (NM_001317186.2); c.1948_1949dupAT (NM_004360.3); short protein forms I135fs, I651fs, I590fs.
Identifiers: ClinVar variation 463736 (VCV000463736.10), dbSNP rs1555517074, ClinGen allele CA658658494.